The following is an entry in ClinVar:

NM_006651.4(CPLX1):c.184G>A (p.Val62Met)

Genes: CPLX1-AS1 (CPLX1 antisense RNA 1; plus strand), CPLX1 (complexin 1; minus strand). Cytogenetic location: 4p16.3.
Variant type: single nucleotide variant.
Coding change: c.184G>A on transcript NM_006651.4 (MANE Select); coding-DNA position 184, G replaced by A.
Protein change: p.Val62Met; replaces valine 62 with methionine.
Molecular consequence: missense variant.
Genome position (GRCh38, 1-based): chr4:792,456, C>T on the plus strand (G>A on the coding strand, the complement: CPLX1 is on the minus strand). VCF-style: chr4-792456-C-T. GRCh37 (hg19) VCF-style: chr4-786244-C-T.
Other names: short protein forms V62M.
Identifiers: ClinVar variation 2058567 (VCV002058567.2), dbSNP rs371042405, ClinGen allele CA2796972.

ClinVar aggregate classification (germline): Uncertain significance (1 of 4 stars; one submission).

Allele frequency attached by ClinVar (database versions not stated): gnomAD exomes 0.00003; ExAC 0.00005; ESP Exome Variant Server 0.00008; gnomAD 0.00008; TOPMed 0.00012; 1000 Genomes Project 30x 0.00016; 1000 Genomes Project 0.00020.
gnomAD v4.1: 56 of 1,602,416 alleles (0.0035%); highest among the groups gnomAD compares: African/African-American, 0.023%; no homozygotes.

Submission:

Labcorp Genetics (formerly Invitae), Labcorp
Classification: Uncertain significance. Last evaluated: 2023-10-16. Review status: criteria provided, single submitter. Criteria: Invitae Variant Classification Sherloc (09022015). Collection method: clinical testing. Allele origin: germline.
Comment: This sequence change replaces valine, which is neutral and non-polar, with methionine, which is neutral and non-polar, at codon 62 of the CPLX1 protein (p.Val62Met). This variant is present in population databases (rs371042405, gnomAD 0.02%). This variant has not been reported in the literature in individuals affected with CPLX1-related conditions. ClinVar contains an entry for this variant (Variation ID: 2058567). Algorithms developed to predict the effect of missense changes on protein structure and function output the following: SIFT: "Not Available"; PolyPhen-2: "Benign"; Align-GVGD: "Not Available". The methionine amino acid residue is found in multiple mammalian species, which suggests that this missense change does not adversely affect protein function. In summary, the available evidence is currently insufficient to determine the role of this variant in disease. Therefore, it has been classified as a Variant of Uncertain Significance.